The following is an entry in ClinVar:

ClinVar aggregate classification (germline): Uncertain significance (1 of 4 stars; one submission).

Allele frequency attached by ClinVar (database versions not stated): gnomAD exomes 0.00001; TOPMed 0.00002; gnomAD 0.00003.
gnomAD v4.1: 19 of 1,459,268 alleles (0.0013%); highest among the groups gnomAD compares: Admixed American, 0.0023%; no homozygotes.

Submission:

Women's Health and Genetics/Laboratory Corporation of America, LabCorp
Classification: Uncertain significance. Last evaluated: 2024-04-08. Review status: criteria provided, single submitter. Criteria: LabCorp Variant Classification Summary - May 2015. Collection method: clinical testing. Allele origin: germline.
Comment: Variant summary: TWIST1 c.-5G>C is located in the untranslated mRNA region upstream of the initiation codon. The variant allele was found at a frequency of 2.3e-05 in 85888 control chromosomes. The available data on variant occurrences in the general population are insufficient to allow any conclusion about variant significance. To our knowledge, no occurrence of c.-5G>C in individuals affected with TWIST1-Related Disorders and no experimental evidence demonstrating its impact on protein function have been reported. No submitters have cited clinical-significance assessments for this variant to ClinVar. Based on the evidence outlined above, the variant was classified as uncertain significance.

NM_000474.4(TWIST1):c.-5G>C

Gene: TWIST1 (twist family bHLH transcription factor 1; minus strand). Cytogenetic location: 7p21.1.
Variant type: single nucleotide variant.
Coding change: c.-5G>C on transcript NM_000474.4 (MANE Select); 5 bases upstream of the start codon, G replaced by C.
Molecular consequence: 5 prime UTR variant. On other transcripts: non-coding transcript variant (1).
Genome position (GRCh38, 1-based): chr7:19,117,326, C>G on the plus strand (G>C on the coding strand, the complement: TWIST1 is on the minus strand). VCF-style: chr7-19117326-C-G. GRCh37 (hg19) VCF-style: chr7-19156949-C-G.
Identifiers: ClinVar variation 3251439 (VCV003251439.1), dbSNP rs1013246852.
Genomic context (GRCh38, chr7:19,117,326, plus strand): 5'-TTGCTCAGGCTGTCGTCGGCCGGCGAGACTGGCGAGCTGGACACGTCCTGCATCATCTCT[C>G]GAGCGGCGACGCGTGGCCTCGCGGGCCCGGGGCAGAGGAGAAGAGCGGGGCGCCTCAGCC-3'